The following is an entry in ClinVar:

ClinVar aggregate classification (germline): Uncertain significance. Review status: criteria provided, single submitter (1 of 4 stars). 2 submissions from 2 submitters: Uncertain significance (1). 1 of the submissions does not count toward it. Last evaluated 2025-08-08.

Conditions:
ALPK2-related disorder. Also called: ALPK2-related condition.

Allele frequency attached by ClinVar (database versions not stated): gnomAD exomes 0.00005; ExAC 0.00017; 1000 Genomes Project 0.00060; 1000 Genomes Project 30x 0.00062; gnomAD 0.00064; TOPMed 0.00073; ESP Exome Variant Server 0.00100.
gnomAD v4.1: 182 of 1,614,190 alleles (0.011%); highest among the groups gnomAD compares: African/African-American, 0.22%; no homozygotes.

Submissions (2):

Ambry Genetics
Classification: Uncertain significance. Last evaluated: 2025-08-08. Review status: criteria provided, single submitter. Criteria: Ambry Variant Classification Scheme 2023. Collection method: clinical testing. Allele origin: germline.

PreventionGenetics, part of Exact Sciences
Classification: Likely benign for ALPK2-related condition. Last evaluated: 2022-08-02. Review status: no assertion criteria provided. Collection method: clinical testing. Allele origin: germline. Not counted in ClinVar's aggregate classification.
Comment: This variant is classified as likely benign based on ACMG/AMP sequence variant interpretation guidelines (Richards et al. 2015 PMID: 25741868, with internal and published modifications).

NM_052947.4(ALPK2):c.3467G>C (p.Ser1156Thr)

Gene: ALPK2 (alpha kinase 2; minus strand). Cytogenetic location: 18q21.31.
Variant type: single nucleotide variant.
Coding change: c.3467G>C on transcript NM_052947.4 (MANE Select); coding-DNA position 3467, G replaced by C.
Protein change: p.Ser1156Thr; replaces serine 1156 with threonine.
Molecular consequence: missense variant.
Genome position (GRCh38, 1-based): chr18:58,536,720, C>G on the plus strand (G>C on the coding strand, the complement: ALPK2 is on the minus strand). VCF-style: chr18-58536720-C-G. GRCh37 (hg19) VCF-style: chr18-56203952-C-G.
Other names: short protein forms S1156T.
Identifiers: ClinVar variation 1731694 (VCV001731694.6), dbSNP rs140442422, ClinGen allele CA8976899.
Genomic context (GRCh38, chr18:58,536,720, plus strand): 5'-GGTGAGTGGGCCGTGGGCACCAAGTTTCTTTCCTCTTGTGCAGCAGATGTCGTAGGCAAA[C>G]TTTGTTGGAAATCAGGTGCAGAAAGAGAACCCTGCTGGGACAGGCTCTGCTGCTGGACCC-3'
Protein context (NP_443179.3, residues 1146-1166): GSLSAPDFQQ[Ser1156Thr]LPTTSAAQEE